The following is an entry in ClinVar:

NM_003280.3(TNNC1):c.364C>G (p.Gln122Glu)

Gene: TNNC1 (troponin C1, slow skeletal and cardiac type; minus strand). Cytogenetic location: 3p21.1.
Variant type: single nucleotide variant.
Coding change: c.364C>G on transcript NM_003280.3 (MANE Select); coding-DNA position 364, C replaced by G.
Protein change: p.Gln122Glu; replaces glutamine 122 with glutamic acid.
Molecular consequence: missense variant.
Genome position (GRCh38, 1-based): chr3:52,451,481, G>C on the plus strand (C>G on the coding strand, the complement: TNNC1 is on the minus strand). VCF-style: chr3-52451481-G-C. GRCh37 (hg19) VCF-style: chr3-52485497-G-C.
Other names: short protein forms Q122E.
Identifiers: ClinVar variation 5030973 (VCV005030973.1).
Genomic context (GRCh38, chr3:52,451,481, plus strand): 5'-TGTCTCCGTCCTTCATGAGCTCCTCGATGTCGTCCTCCGTGATGGTCTCGCCTGTAGCCT[G>C]CAGCATTATCTTCAGCTCATCCAGGTCGATGTAGCCATCAGCATTTCTGTGGGGAGGGGG-3'
Protein context (NP_003271.1, residues 112-132): IDLDELKIML[Gln122Glu]ATGETITEDD

ClinVar aggregate classification (germline): Uncertain significance (1 of 4 stars; one submission).

Conditions:
Cardiovascular phenotype. Identifiers: MedGen CN230736.

Submission:

Ambry Genetics
Classification: Uncertain significance for Cardiovascular phenotype. Last evaluated: 2026-07-09. Review status: criteria provided, single submitter. Criteria: Ambry Variant Classification Scheme 2023. Collection method: clinical testing. Allele origin: germline.
Comment: The p.Q122E variant (also known as c.364C>G), located in coding exon 5 of the TNNC1 gene, results from a C to G substitution at nucleotide position 364. The glutamine at codon 122 is replaced by glutamic acid, an amino acid with highly similar properties. This amino acid position is conserved. In addition, this alteration is predicted to be tolerated by in silico analysis. Based on the available evidence, the clinical significance of this variant remains unclear.